The following is an entry in ClinVar:

NM_000384.3(APOB):c.5163C>T (p.Val1721=)

Gene: APOB (apolipoprotein B; minus strand). Cytogenetic location: 2p24.1.
Variant type: single nucleotide variant.
Coding change: c.5163C>T on transcript NM_000384.3 (MANE Select); coding-DNA position 5163, C replaced by T.
Protein change: p.Val1721=; no amino-acid change (valine 1721 retained).
Molecular consequence: synonymous variant.
Genome position (GRCh38, 1-based): chr2:21,011,705, G>A on the plus strand (C>T on the coding strand, the complement: APOB is on the minus strand). VCF-style: chr2-21011705-G-A. GRCh37 (hg19) VCF-style: chr2-21234577-G-A.
Identifiers: ClinVar variation 927966 (VCV000927966.44), dbSNP rs536182427, ClinGen allele CA061758.
Genomic context (GRCh38, chr2:21,011,705, plus strand): 5'-GTCATTTGAGAGCTTAAGTCCTTCTTGACTGACCTTGAAGTTGAAAATGTTTTTGCTGTC[G>A]ACACCCAGAATCATGGCCTGATAAGCACTTCCCAGTGATAGCTCTGTGAGGGCGGCTTTC-3'
Protein context (NP_000375.3, residues 1711-1731): GSAYQAMILG[Val1721=]DSKNIFNFKV

ClinVar aggregate classification (germline): Likely benign. Review status: criteria provided, multiple submitters, no conflicts (2 of 4 stars). 5 submissions from 5 submitters: Likely benign (4). 1 of the submissions does not count toward it. Last evaluated 2025-12-17.

Conditions:
Hypercholesterolemia, autosomal dominant, type B (FHCL2). Also called: Familial Hypercholesterolemia Type B; Hyperlipoproteinemia Type IIb; APOB-Related Familial Hypercholesterolemia, Autosomal Dominant; Familial hypercholesterolemia 2; HYPERCHOLESTEROLEMIA, FAMILIAL, DUE TO LIGAND-DEFECTIVE APOLIPOPROTEIN B; APOLIPOPROTEIN B-100, FAMILIAL DEFECTIVE. Identifiers: MedGen C1704417, MONDO:0007751, OMIM 144010.
Familial hypobetalipoproteinemia 1. Also called: Hypobetalipoproteinemia, normotriglyceridemic; Acanthocytosis with hypobetalipoproteinemia; APOB-Related Familial Hypobetalipoproteinemia. Identifiers: MedGen C4551990, MONDO:0014252, OMIM 615558.
Familial hypercholesterolemia. Also called: Familial hypercholesterolemias; Familial hypercholesterolaemia. Identifiers: MedGen C0020445, MONDO:0005439.
APOB-related disorder. Also called: APOB-related condition; APOB-related disorders.
Cardiovascular phenotype. Identifiers: MedGen CN230736.

Allele frequency attached by ClinVar (database versions not stated): TOPMed 0.00017; 1000 Genomes Project 0.00020; 1000 Genomes Project 30x 0.00031.
gnomAD v4.1: 92 of 1,614,074 alleles (0.0057%); highest among the groups gnomAD compares: Admixed American, 0.068%; no homozygotes.

Submissions (5):

Labcorp Genetics (formerly Invitae), Labcorp
Classification: Likely benign for Familial hypobetalipoproteinemia 1; Hypercholesterolemia, autosomal dominant, type B. Last evaluated: 2025-12-17. Review status: criteria provided, single submitter. Criteria: Invitae Variant Classification Sherloc (09022015). Collection method: clinical testing. Allele origin: germline.

GENinCode PLC
Classification: Likely benign for Familial hypercholesterolemia. Last evaluated: 2025-01-09. Review status: criteria provided, single submitter. Criteria: ACMG Guidelines, 2015. Collection method: clinical testing. Allele origin: germline.
Comment: This is a synonymous (silent) variant that is not predicted to impact splicing and occurs at a nucleotide which is not highly conserved. This variant has been classified as Likely Benign (BP4, BP7).

CeGaT Center for Human Genetics Tuebingen
Classification: Likely benign. Last evaluated: 2022-12-01. Review status: criteria provided, single submitter. Criteria: CeGaT Center For Human Genetics Tuebingen Variant Classification Criteria Version 2. Collection method: clinical testing. Allele origin: germline. Affected: yes. Observed: 1 variant allele.
Comment: APOB: BP4, BP7

Ambry Genetics
Classification: Likely benign for Cardiovascular phenotype. Last evaluated: 2022-03-17. Review status: criteria provided, single submitter. Criteria: Ambry Variant Classification Scheme 2023. Collection method: clinical testing. Allele origin: germline.

PreventionGenetics, part of Exact Sciences
Classification: Likely benign for APOB-related condition. Last evaluated: 2019-06-25. Review status: no assertion criteria provided. Collection method: clinical testing. Allele origin: germline. Not counted in ClinVar's aggregate classification.
Comment: This variant is classified as likely benign based on ACMG/AMP sequence variant interpretation guidelines (Richards et al. 2015 PMID: 25741868, with internal and published modifications).